The following is an entry in ClinVar:

ClinVar aggregate classification (germline): Likely benign. Review status: criteria provided, multiple submitters, no conflicts (2 of 4 stars). 3 submissions from 3 submitters: Likely benign (3). Last evaluated 2026-08-16.

Conditions:
Cardiovascular phenotype. Identifiers: MedGen CN230736.
Arrhythmogenic cardiomyopathy with wooly hair and keratoderma. Also called: Dilated cardiomyopathy with woolly hair and keratoderma; Arrhythmogenic cardiomyopathy with woolly hair and keratoderma; PALMOPLANTAR KERATODERMA WITH LEFT VENTRICULAR CARDIOMYOPATHY AND WOOLLY HAIR; Carvajal syndrome. Identifiers: Orphanet 65282, MedGen C1854063, MONDO:0011581, OMIM 605676.
Arrhythmogenic right ventricular dysplasia 8 (ARVD8). Also called: Arrhythmogenic Right Ventricular Dysplasia/Cardiomyopathy 8; ARRHYTHMOGENIC RIGHT VENTRICULAR DYSPLASIA, FAMILIAL, 8; ARRHYTHMOGENIC RIGHT VENTRICULAR CARDIOMYOPATHY 8. Identifiers: MedGen C1843896, MONDO:0011831, OMIM 607450.

Submissions (3):

Ambry Genetics
Classification: Likely benign for Cardiovascular phenotype. Last evaluated: 2026-08-16. Review status: criteria provided, single submitter. Criteria: Ambry Variant Classification Scheme 2023. Collection method: clinical testing. Allele origin: germline.

All of Us Research Program, National Institutes of Health
Classification: Likely benign for Arrhythmogenic cardiomyopathy with wooly hair and keratoderma. Last evaluated: 2023-08-15. Review status: criteria provided, single submitter. Criteria: ACMG Guidelines, 2015. Collection method: clinical testing. Allele origin: germline. Inheritance: Autosomal dominant inheritance. Observed: 1 variant allele, 1 heterozygote.
Comment: This study involves interpretation of variants in research participants for the purpose of population health screening. Participant phenotype was not available at the time of variant classification. Additional details can be found in publication PMID: 35346344, PMCID: PMC8962531

Labcorp Genetics (formerly Invitae), Labcorp
Classification: Likely benign for Arrhythmogenic cardiomyopathy with wooly hair and keratoderma; Arrhythmogenic right ventricular dysplasia 8. Last evaluated: 2023-05-27. Review status: criteria provided, single submitter. Criteria: Invitae Variant Classification Sherloc (09022015). Collection method: clinical testing. Allele origin: germline.

NM_004415.4(DSP):c.4134C>T (p.His1378=)

Gene: DSP (desmoplakin; plus strand). Cytogenetic location: 6p24.3.
Variant type: single nucleotide variant.
Coding change: c.4134C>T on transcript NM_004415.4 (MANE Select); coding-DNA position 4134, C replaced by T.
Protein change: p.His1378=; no amino-acid change (histidine 1378 retained).
Molecular consequence: synonymous variant. On other transcripts: intron variant (2).
Genome position (GRCh38, 1-based): chr6:7,580,324, C>T. VCF-style: chr6-7580324-C-T. GRCh37 (hg19) VCF-style: chr6-7580557-C-T.
Other names: c.4050+84C>T (NM_001319034.2); c.3582+552C>T (NM_001008844.3).
Identifiers: ClinVar variation 2948276 (VCV002948276.5), dbSNP rs2533927541, ClinGen allele CA448714899.
Genomic context (GRCh38, chr6:7,580,324, plus strand): 5'-GATCATTAGCTTAAAAAATCAGTTTGAGACCGAGATCAACATCACCAAGACCACCATCCA[C>T]CAGCTCACCATGCAGAAGGAAGAGGATACCAGTGGCTACCGGGCTCAGATAGACAATCTC-3'
Protein context (NP_004406.2, residues 1368-1388): TEINITKTTI[His1378=]QLTMQKEEDT